The following continues an entry in ClinVar:

NM_000518.5(HBB):c.20A>T (p.Glu7Val)

ClinVar aggregate classification (germline): Pathogenic. Pathogenic (57).

Submissions 8 to 23 of 72:

Natera, Inc.
Classification: Pathogenic for Beta thalassemia. Last evaluated: 2025-12-09. Review status: criteria provided, single submitter. Criteria: Natera Variant Classification Schema (03/2026). Collection method: clinical testing. Allele origin: germline.
Comment: The c.20A>T variant in HBB is a missense variant predicted to cause substitution of glutamic acid to valine at amino acid 7. This variant has been observed in one or more individuals affected with the associated recessive disease, as either homozygous or compound heterozygous with a second variant (PMID: 18473247, 28361595). Additionally, this variant has been observed to segregate in affected family members (PMID: 18473247). Given the available evidence, this variant is classified as Pathogenic.

Clinical Genomics Laboratory, Washington University in St. Louis
Classification: Pathogenic for Hb SS disease. Last evaluated: 2025-10-24. Review status: criteria provided, single submitter. Criteria: ACMG Guidelines, 2015. Collection method: clinical testing. Allele origin: germline. Affected: yes.
Comment: The HBB c.20A>T (p.Glu7Val), also known as p.Glu6Val or HbS (HbVar ID 226), variant has been reported in many individuals affected by sickle cell disease (SCD) and is the most prevalent genotype associated with this phenotype in the homozygous state (Hb S/S) (Yawn BP et al., PMID: 25203083). This variant has been reported in the ClinVar database as a germline pathogenic variant by 64 submitters. The highest population minor allele frequency in the population database Genome Aggregation Database (v.4.1.0) is 4.94% in the African population. Computational predictors are uncertain about the impact of this variant on HBB function. Functional studies show recapitulation of the human phenotype in mouse models, including the erythrocytes of these mice sickling readily upon deoxygenation. Irreversibly sickled cells in the mouse with high levels of HbS indicate that this variant impacts protein function (Greaves DR et al., PMID: 2296310). Another variant in the same codon, c.19G>A (p.Glu7Lys), also known as Hb C, has been reported in several individuals with SCD and is also classified as pathogenic (ClinVar Variation ID: 15126; Bender MA et al., PMID: 20301551). Based on available information and the ACMG/AMP guidelines for variant interpretation (Richards S et al., PMID: 25741868), this variant is classified as pathogenic.

Daryl Scott Lab, Baylor College of Medicine
Classification: Pathogenic for HBB-related disorder. Last evaluated: 2025-08-25. Review status: criteria provided, single submitter. Criteria: ACMG Guidelines, 2015. Collection method: clinical testing. Allele origin: biparental. Affected: yes.
Comment: PS3, PS4, PM3, PM5, PP5

ARUP Laboratories, Molecular Genetics and Genomics, ARUP Laboratories
Classification: Pathogenic. Last evaluated: 2025-07-31. Review status: criteria provided, single submitter. Criteria: ARUP Molecular Germline Variant Investigation Process 2024. Collection method: clinical testing. Allele origin: germline.
Comment: The Hb S variant (HBB: c.20A>T; p.Glu7Val, also known as Glu6Val when numbered from the mature protein, HbVar ID: 226, rs334) is a common pathogenic beta globin variant. Heterozygosity for Hb S is consistent with sickle cell trait. Homozygosity for Hb S results in sickle cell anemia. Hb S in combination with a different pathogenic HBB variant on the opposite chromosome results in various forms of sickle cell disease (see HbVar link and references therein). References: Link to HbVar database

Variantyx, Inc.
Classification: Pathogenic for Hb SS disease. Last evaluated: 2025-03-27. Review status: criteria provided, single submitter. Criteria: Variantyx Assertion Criteria 2022. Collection method: clinical testing. Allele origin: maternal.
Comment: This is a nonsynonymous variant in the HBB gene (OMIM: 141900). Pathogenic variants in this gene have been associated with autosomal recessive sickle cell anemia. This variant has been identified in the homozygous or compound heterozygous state in at least eleven unrelated patients (PM3_VeryStrong). Functional studies have shown that this variant alters HBB protein function (PMID: 1802884) (PS3). This variant lies within a known hotspot for pathogenic variants or a well-established critical functional domain of the HBB protein (PMID: 22028795) (PM1). Computational algorithms produce conflicting evidence regarding the predicted functional impact of this variant (REVEL score: 0.535). This variant has a 4.9487% maximum allele frequency in non-founder control populations. Based on the current evidence, this variant is classified as pathogenic for autosomal recessive sickle cell anemia.While heterozygosity for the p.Glu7Val variant is insufficient to cause sickle cell anemia, it is associated with sickle cell trait (PMID: 20301551).

Center for Genomic Medicine, Rigshospitalet, Copenhagen University Hospital
Classification: Pathogenic. Last evaluated: 2025-03-04. Review status: criteria provided, single submitter. Criteria: ACMG Guidelines, 2015. Collection method: clinical testing. Allele origin: germline.

Blueprint Genetics
Classification: Pathogenic for HBB-related disorders. Last evaluated: 2024-11-27. Review status: criteria provided, single submitter. Criteria: ACMG Guidelines, 2015. Collection method: clinical testing. Allele origin: de novo. Affected: yes. Observed: 5 variant alleles.

Revvity Omics, Revvity
Classification: Pathogenic. Last evaluated: 2024-10-10. Review status: criteria provided, single submitter. Criteria: ACMG Guidelines, 2015. Collection method: clinical testing. Allele origin: germline.

Genomic Research Center, Shahid Beheshti University of Medical Sciences
Classification: Pathogenic for Hb SS disease. Last evaluated: 2024-04-22. Review status: criteria provided, single submitter. Criteria: ACMG Guidelines, 2015. Collection method: clinical testing. Allele origin: unknown.

Laboratory for Molecular Medicine, Mass General Brigham Personalized Medicine
Classification: Pathogenic for Hb SS disease. Last evaluated: 2024-04-11. Review status: criteria provided, single submitter. Criteria: ACMG Guidelines, 2015. Collection method: clinical testing. Allele origin: germline. Inheritance: Autosomal recessive inheritance.
Comment: The p.Glu7Val variant (also known as p.Glu6Val or hemoglobin S variant) in HBB is a well-established variant which, in the homozygous state, causes sickle cell anemia and which accounts for 60-70% of sickle cell disease in the US (Bender 2003 PMID: 20301551, Serjeant 1968 PMID: 4232783). Co-inheritance with a second HBB variant associated with abnormal hemoglobin (such as Hb C, Hb D, Hb O, Hb E and β-thalassemia pathogenic variants) also results in sickle cell disease. This variant has also been reported by other clinical laboratories in ClinVar (Variation ID 15333) and has been identified in 1799/41432 (4.3%) of African/African American chromosomes, including 9 homozygotes, by gnomAD (v.3.1.2). In vitro functional studies support an impact on protein function as this variant is shown to affect hemoglobin polymerization, resulting in abnormally shaped red blood cells (He 2017 PMID: 12124399, Adachi 1991 PMID: 1802884). Transgenic mouse models have also shown that this variant causes sickle cell disease, as mouse red blood cells with the variant had a sickle shape upon deoxygenation (Greaves 1990 PMID: 2296310). In summary, this variant meets criteria to be classified as pathogenic autosomal recessive sickle cell disease. ACMG/AMP Criteria applied: PM3_Very Strong, PS3.

Fulgent Genetics
Classification: Pathogenic for Heinz body anemia; Hereditary persistence of fetal hemoglobin; Dominant beta-thalassemia; Hb SS disease; Malaria, susceptibility to; Beta-thalassemia HBB/LCRB; METHEMOGLOBINEMIA, BETA TYPE; Erythrocytosis, familial, 6. Last evaluated: 2024-04-04. Review status: criteria provided, single submitter. Criteria: ACMG Guidelines, 2015. Collection method: clinical testing. Allele origin: germline.

Genomic Medicine Center of Excellence, King Faisal Specialist Hospital and Research Centre
Classification: Pathogenic for Malaria, susceptibility to. Last evaluated: 2024-03-25. Review status: criteria provided, single submitter. Criteria: ACMG Guidelines, 2015. Collection method: clinical testing. Allele origin: germline.

Neuberg Centre For Genomic Medicine, NCGM
Classification: Pathogenic for Hb SS disease. Last evaluated: 2024-02-01. Review status: criteria provided, single submitter. Criteria: ACMG Guidelines, 2015. Collection method: clinical testing. Allele origin: germline. Inheritance: Autosomal recessive inheritance.
Comment: The missense c.20A>T (p.Glu7Val) variant in the HBB gene has been reported previously in homozygous and compound heterozygous states in multiple individuals affected with HBB-related sickle cell anemia (Kutlar et al. 2010; Meher et al., 2016). It is the most common pathogenic HBB variant in individuals of African ancestry. Experimental studies have shown that this missense change affects HBB function (Eshbach ML et al., 2017). The variant usually occurs as an asymptomatic trait, as a mild-tointermediate microcytic condition in combination with b-thalassemia (b-thal), as a severe sickle cell disease, and more rarely, in cultures with traditions of high consanguinity, in the homozygous state, again, a rather asymptomatic condition (Das et al., 2015).

Ambry Genetics
Classification: Pathogenic for Inborn genetic diseases. Last evaluated: 2023-10-13. Review status: criteria provided, single submitter. Criteria: Ambry Variant Classification Scheme 2023. Collection method: clinical testing. Allele origin: germline.
Comment: The c.20A>T (p.E7V) alteration is located in exon 1 of the HBB gene. This alteration results from a A to T substitution at nucleotide position 20, causing the glutamic acid (E) at amino acid position 7 to be replaced by a valine (V). Based on data from gnomAD, the T allele has an overall frequency of 0.44% (1236/282580) total alleles studied. The highest observed frequency was 4.49% (1121/24964) of African/African American alleles. This alteration results in the hemoglobin S (HbS) variant and is associated with sickle cell disease (Ingram, 1956). This amino acid position is not well conserved in available vertebrate species. The p.E7V alteration is known to significantly decrease the solubility of the hemoglobin protein, allowing for the polymerization that ultimately results in red cell sickling (Adachi, 1987). The in silico prediction for this alteration is inconclusive. Based on the available evidence, this alteration is classified as pathogenic.

Department of Pathology and Laboratory Medicine, Sinai Health System
Classification: Pathogenic for Heinz body anemia; Dominant beta-thalassemia; alpha Thalassemia; Hb SS disease; Beta-thalassemia HBB/LCRB. Last evaluated: 2023-05-29. Review status: criteria provided, single submitter. Criteria: ACMG Guidelines, 2015. Collection method: research. Allele origin: germline.

Clinical Genetics Laboratory, Skane University Hospital Lund
Classification: Pathogenic. Last evaluated: 2023-05-17. Review status: criteria provided, single submitter. Criteria: ACMG Guidelines, 2015. Collection method: clinical testing. Allele origin: germline. Affected: yes.